The following is an entry in ClinVar:

NM_000038.6(APC):c.1130A>T (p.Lys377Ile)

Gene: APC (APC regulator of Wnt signaling pathway; plus strand). Cytogenetic location: 5q22.2.
Variant type: single nucleotide variant.
Coding change: c.1130A>T on transcript NM_000038.6 (MANE Select); coding-DNA position 1130, A replaced by T.
Protein change: p.Lys377Ile; replaces lysine 377 with isoleucine.
Molecular consequence: missense variant. On other transcripts: intron variant (4).
Genome position (GRCh38, 1-based): chr5:112,819,162, A>T. VCF-style: chr5-112819162-A-T. GRCh37 (hg19) VCF-style: chr5-112154859-A-T.
Other names: c.1130A>T, p.Lys377Ile (NM_001127510.3, NM_001354895.2, NM_001354896.2 and 4 more transcripts); c.1076A>T, p.Lys359Ile (NM_001127511.3); c.1160A>T, p.Lys387Ile (NM_001354897.2, NM_001407446.1); c.1055A>T, p.Lys352Ile (NM_001354898.2, NM_001407451.1); c.1046A>T, p.Lys349Ile (NM_001354899.2, NM_001407452.1); c.953A>T, p.Lys318Ile (NM_001354900.2, NM_001354901.2, NM_001407453.1); c.281A>T, p.Lys94Ile (NM_001354906.2, NM_001407470.1); c.964-107A>T (NM_001354902.2); and 3 more; short protein forms K387I, K318I, K349I, K352I, K359I, K377I, K94I.
Identifiers: ClinVar variation 1728156 (VCV001728156.2), dbSNP rs1580529630, ClinGen allele CA16023783.

ClinVar aggregate classification (germline): Uncertain significance (1 of 4 stars; one submission).

Conditions:
Hereditary cancer-predisposing syndrome. Also called: Tumor predisposition; Neoplastic Syndromes, Hereditary; Hereditary Cancer Syndrome; Hereditary neoplastic syndrome. Identifiers: Orphanet 140162, MedGen C0027672, MeSH D009386, MONDO:0015356.

Submission:

Ambry Genetics
Classification: Uncertain significance for Hereditary cancer-predisposing syndrome. Last evaluated: 2020-02-06. Review status: criteria provided, single submitter. Criteria: Ambry Variant Classification Scheme 2023. Collection method: clinical testing. Allele origin: germline.
Comment: The p.K377I variant (also known as c.1130A>T), located in coding exon 9 of the APC gene, results from an A to T substitution at nucleotide position 1130. The lysine at codon 377 is replaced by isoleucine, an amino acid with dissimilar properties. This amino acid position is highly conserved in available vertebrate species. In addition, in silico predictors for this gene do not accurately predict pathogenicity. Since supporting evidence is limited at this time, the clinical significance of this alteration remains unclear.